The following is an entry in ClinVar:

NM_000088.4(COL1A1):c.859-2A>C

Genes: COL1A1 (collagen type I alpha 1 chain; minus strand), LOC126862586 (CDK7 strongly-dependent group 2 enhancer GRCh37_chr17:48273702-48274901; plus strand). Cytogenetic location: 17q21.33.
Variant type: single nucleotide variant.
Coding change: c.859-2A>C on transcript NM_000088.4 (MANE Select); the canonical splice acceptor site of the intron before coding-DNA position 859, A replaced by C.
Molecular consequence: splice acceptor variant.
Genome position (GRCh38, 1-based): chr17:50,196,530, T>G on the plus strand (A>C on the coding strand, the complement: COL1A1 is on the minus strand). VCF-style: chr17-50196530-T-G. GRCh37 (hg19) VCF-style: chr17-48273891-T-G.
Identifiers: ClinVar variation 4710415 (VCV004710415.1).

ClinVar aggregate classification (germline): Pathogenic (1 of 4 stars; one submission).

Conditions:
Osteogenesis imperfecta type I (OI1). Also called: OI, TYPE I; OSTEOGENESIS IMPERFECTA TARDA; OSTEOGENESIS IMPERFECTA WITH BLUE SCLERAE; Osteogenesis imperfecta type 1; Classic Non-deforming Osteogenesis Imperfecta with Blue Sclerae; Lobstein's Disease. Identifiers: Orphanet 216796, Orphanet 666, MedGen C0023931, MONDO:0008146, OMIM 166200. Disease mechanism: loss of function.

Submission:

Labcorp Genetics (formerly Invitae), Labcorp
Classification: Pathogenic for Osteogenesis imperfecta type I. Last evaluated: 2025-06-17. Review status: criteria provided, single submitter. Criteria: Invitae Variant Classification Sherloc (09022015). Collection method: clinical testing. Allele origin: germline.
Comment: This sequence change affects an acceptor splice site in intron 12 of the COL1A1 gene. It is expected to disrupt RNA splicing. Variants that disrupt the donor or acceptor splice site typically lead to a loss of protein function (PMID: 16199547), and loss-of-function variants in COL1A1 are known to be pathogenic (PMID: 7942841, 9295084, 9443882). This variant is not present in population databases (gnomAD no frequency). Disruption of this splice site has been observed in individuals with osteogenesis imperfecta (PMID: 16879195, 35909573; internal data). This variant is also known as IVS12-2A>C. Studies have shown that disruption of this splice site is associated with inconclusive levels of altered splicing (PMID: 16879195). For these reasons, this variant has been classified as Pathogenic.

Literature cited by the submitters: PubMed 16199547; PubMed 7942841; PubMed 9295084; PubMed 9443882; PubMed 16879195; PubMed 35909573.